The following is an entry in ClinVar:

ClinVar aggregate classification (germline): Uncertain significance (1 of 4 stars; one submission).

Conditions:
Long QT syndrome (LQTS). Identifiers: MedGen C0023976, MeSH D008133, MONDO:0002442. Disease mechanism: loss of function. Inheritance: Various modes of inheritance.

Allele frequency attached by ClinVar (database versions not stated): gnomAD exomes below 0.00001; TOPMed below 0.00001.
gnomAD v4.1: 1 of 1,613,760 alleles (0.000062%); highest among the groups gnomAD compares: Admixed American, 0.0017%; no homozygotes.

Submission:

Labcorp Genetics (formerly Invitae), Labcorp
Classification: Uncertain significance for Long QT syndrome. Last evaluated: 2023-05-22. Review status: criteria provided, single submitter. Criteria: Invitae Variant Classification Sherloc (09022015). Collection method: clinical testing. Allele origin: germline.
Comment: This sequence change replaces glutamine, which is neutral and polar, with histidine, which is basic and polar, at codon 2975 of the AKAP9 protein (p.Gln2975His). This variant is present in population databases (no rsID available, gnomAD 0.003%). This variant has not been reported in the literature in individuals affected with AKAP9-related conditions. ClinVar contains an entry for this variant (Variation ID: 2058020). An algorithm developed to predict the effect of missense changes on protein structure and function (PolyPhen-2) suggests that this variant is likely to be disruptive. In summary, the available evidence is currently insufficient to determine the role of this variant in disease. Therefore, it has been classified as a Variant of Uncertain Significance.

NM_005751.5(AKAP9):c.8925G>C (p.Gln2975His)

Gene: AKAP9 (A-kinase anchoring protein 9; plus strand). Cytogenetic location: 7q21.2.
Variant type: single nucleotide variant.
Coding change: c.8925G>C on transcript NM_005751.5 (MANE Select); coding-DNA position 8925, G replaced by C.
Protein change: p.Gln2975His; replaces glutamine 2975 with histidine.
Molecular consequence: missense variant.
Genome position (GRCh38, 1-based): chr7:92,085,587, G>C. VCF-style: chr7-92085587-G-C. GRCh37 (hg19) VCF-style: chr7-91714901-G-C.
Other names: c.3570G>C, p.Gln1190His (NM_001379277.1); c.8901G>C, p.Gln2967His (NM_147185.3); short protein forms Q1190H, Q2975H, Q2967H.
Identifiers: ClinVar variation 2058020 (VCV002058020.4), dbSNP rs1018872015, ClinGen allele CA161888427.